The following is an entry in ClinVar:

ClinVar aggregate classification (germline): Uncertain significance. Review status: criteria provided, multiple submitters, no conflicts (2 of 4 stars). 3 submissions from 3 submitters: Uncertain significance (3). Last evaluated 2025-05-24.

Conditions:
Cardiovascular phenotype. Identifiers: MedGen CN230736.
Hereditary cancer-predisposing syndrome. Also called: Hereditary neoplastic syndrome; Neoplastic Syndromes, Hereditary; Tumor predisposition; Hereditary Cancer Syndrome. Identifiers: Orphanet 140162, MedGen C0027672, MeSH D009386, MONDO:0015356.
Juvenile myelomonocytic leukemia (JMML). Also called: LEUKEMIA, JUVENILE MYELOMONOCYTIC, SOMATIC. Identifiers: Orphanet 86834, MedGen C0349639, MONDO:0011908, OMIM 607785, HP:0012209.
Neurofibromatosis, familial spinal (FSNF). Identifiers: Orphanet 636, MedGen C1834235, MONDO:0008078, OMIM 162210. Disease mechanism: loss of function.
Neurofibromatosis-Noonan syndrome (NFNS). Also called: NEUROFIBROMATOSIS WITH NOONAN PHENOTYPE. Identifiers: Orphanet 638, MedGen C2931482, MONDO:0011035, OMIM 601321. Disease mechanism: loss of function.
Café-au-lait macules with pulmonary stenosis (WTSN). Also called: PULMONIC STENOSIS WITH CAFE-AU-LAIT SPOTS. Identifiers: MedGen C0553586, MONDO:0008672, OMIM 193520.
Neurofibromatosis, type 1 (NF1). Also called: Peripheral type neurofibromatosis; Neurofibromatosis, type I; VON RECKLINGHAUSEN DISEASE; NEUROFIBROMATOSIS, TYPE I, SOMATIC. Identifiers: Orphanet 636, MedGen C0027831, MONDO:0018975, OMIM 162200. Disease mechanism: loss of function.

Submissions (3):

Ambry Genetics
Classification: Uncertain significance for Cardiovascular phenotype; Hereditary cancer-predisposing syndrome. Last evaluated: 2025-05-24. Review status: criteria provided, single submitter. Criteria: Ambry Variant Classification Scheme 2023. Collection method: clinical testing. Allele origin: germline.
Comment: The p.P566A variant (also known as c.1696C>G), located in coding exon 15 of the NF1 gene, results from a C to G substitution at nucleotide position 1696. The proline at codon 566 is replaced by alanine, an amino acid with highly similar properties. This variant was reported in 1/60,466 breast cancer cases and in 0/53,461 controls (Dorling et al. N Engl J Med. 2021 02;384:428-439). This amino acid position is highly conserved in available vertebrate species. In addition, this alteration is predicted to be tolerated by in silico analysis. Based on the available evidence, the clinical significance of this variant remains unclear.

Labcorp Genetics (formerly Invitae), Labcorp
Classification: Uncertain significance for Neurofibromatosis, type 1. Last evaluated: 2024-10-17. Review status: criteria provided, single submitter. Criteria: Invitae Variant Classification Sherloc (09022015). Collection method: clinical testing. Allele origin: germline.
Comment: This sequence change replaces proline, which is neutral and non-polar, with alanine, which is neutral and non-polar, at codon 566 of the NF1 protein (p.Pro566Ala). This variant is not present in population databases (gnomAD no frequency). This variant has not been reported in the literature in individuals affected with NF1-related conditions. ClinVar contains an entry for this variant (Variation ID: 1026584). Invitae Evidence Modeling of protein sequence and biophysical properties (such as structural, functional, and spatial information, amino acid conservation, physicochemical variation, residue mobility, and thermodynamic stability) has been performed for this missense variant. However, the output from this modeling did not meet the statistical confidence thresholds required to predict the impact of this variant on NF1 protein function. In summary, the available evidence is currently insufficient to determine the role of this variant in disease. Therefore, it has been classified as a Variant of Uncertain Significance.

Fulgent Genetics
Classification: Uncertain significance for Neurofibromatosis, type 1; Neurofibromatosis, familial spinal; Café-au-lait macules with pulmonary stenosis; Neurofibromatosis-Noonan syndrome; Juvenile myelomonocytic leukemia. Last evaluated: 2024-03-12. Review status: criteria provided, single submitter. Criteria: ACMG Guidelines, 2015. Collection method: clinical testing. Allele origin: germline.

Literature cited by the submitters: PubMed 33471991 (cited by Ambry Genetics).

NM_001042492.3(NF1):c.1696C>G (p.Pro566Ala)

Gene: NF1 (neurofibromin 1; plus strand). Cytogenetic location: 17q11.2.
Variant type: single nucleotide variant.
Coding change: c.1696C>G on transcript NM_001042492.3 (MANE Select); coding-DNA position 1696, C replaced by G.
Protein change: p.Pro566Ala; replaces proline 566 with alanine.
Molecular consequence: missense variant.
Genome position (GRCh38, 1-based): chr17:31,221,904, C>G. VCF-style: chr17-31221904-C-G. GRCh37 (hg19) VCF-style: chr17-29548922-C-G.
Other names: c.1696C>G, p.Pro566Ala (NM_000267.4, NM_001128147.3); short protein forms P566A.
Identifiers: ClinVar variation 1026584 (VCV001026584.9), dbSNP rs2066928875, ClinGen allele CA399002330.